The following is an entry in ClinVar:

ClinVar aggregate classification (germline): Pathogenic/Likely pathogenic. Review status: criteria provided, multiple submitters, no conflicts (2 of 4 stars). 5 submissions from 5 submitters: Pathogenic (3); Likely pathogenic (2). Last evaluated 2024-02-27.

Conditions:
Congenital myopathy. Identifiers: Orphanet 97245, MedGen C0270960, MONDO:0019952.
Nemaline myopathy. Also called: Myopathies, Nemaline. Identifiers: Orphanet 607, MedGen C0206157, MONDO:0018958.
Nemaline myopathy 2 (NEM2). Also called: Nemaline myopathy 2, autosomal recessive. Identifiers: MedGen C1850569, MONDO:0009725, OMIM 256030.

Submissions (5):

Natera, Inc.
Classification: Pathogenic for Nemaline myopathy type 2. Last evaluated: 2024-02-27. Review status: criteria provided, single submitter. Criteria: Natera Variant Classification Schema (03/2026). Collection method: clinical testing. Allele origin: germline.
Comment: The c.2415+1G>A variant in NEB is a canonical splice donor site variant predicted to affect pre-mRNA splicing, which may result in an abnormal transcript and altered protein product. This variant may result in a truncated or dysfunctional protein product. This variant is rare in the general population with a frequency below the threshold expected for the associated phenotype(s). This variant has been observed in one or more individuals affected with the associated recessive disease, as either homozygous or compound heterozygous with a second variant (PMID: 37460656, 28357410, 25205138). This variant has been observed to segregate in affected family members (PMID: 25205138). Functional studies show that this variant may disrupt protein function (PMID: 28424332). Given the available evidence, this variant is classified as Pathogenic.

Women's Health and Genetics/Laboratory Corporation of America, LabCorp
Classification: Pathogenic for Nemaline myopathy. Last evaluated: 2022-05-23. Review status: criteria provided, single submitter. Criteria: LabCorp Variant Classification Summary - May 2015. Collection method: clinical testing. Allele origin: germline.
Comment: Variant summary: NEB c.2415+1G>A is located in a canonical splice-site and is predicted to affect mRNA splicing resulting in a significantly altered protein due to either exon skipping, shortening, or inclusion of intronic material. Several computational tools predict a significant impact on normal splicing: Four predict the variant abolishes a 5 splicing donor site. However, these predictions have yet to be confirmed by functional studies. The variant was absent in 248466 control chromosomes (gnomAD). c.2415+1G>A has been reported in the literature in multiple compound heterozygous and homozygous individuals affected with Nemaline Myopathy (Lehtokari_2014, Cummings_2017). These data indicate that the variant is very likely to be associated with disease. To our knowledge, no experimental evidence demonstrating an impact on protein function has been reported. Two ClinVar submitters (evaluation after 2014) cite the variant as pathogenic and likely pathogenic. Based on the evidence outlined above, the variant was classified as pathogenic.

Labcorp Genetics (formerly Invitae), Labcorp
Classification: Pathogenic for Nemaline myopathy 2. Last evaluated: 2022-01-15. Review status: criteria provided, single submitter. Criteria: Invitae Variant Classification Sherloc (09022015). Collection method: clinical testing. Allele origin: germline.
Comment: For these reasons, this variant has been classified as Pathogenic. Studies have shown that this variant is associated with altered splicing, but the impact on the resulting protein product is unknown (PMID: 28424332). ClinVar contains an entry for this variant (Variation ID: 420125). Disruption of this splice site has been observed in individual(s) with nemaline myopathy (PMID: 25205138, 28424332). In at least one individual the data is consistent with being in trans (on the opposite chromosome) from a pathogenic variant. It has also been observed to segregate with disease in related individuals. This variant is not present in population databases (gnomAD no frequency). This sequence change affects a donor splice site in intron 25 of the NEB gene. It is expected to disrupt RNA splicing. Variants that disrupt the donor or acceptor splice site typically lead to a loss of protein function (PMID: 16199547), and loss-of-function variants in NEB are known to be pathogenic (PMID: 25205138).

Cambridge Genomics Laboratory, East Genomic Laboratory Hub, NHS Genomic Medicine Service
Classification: Likely pathogenic for Congenital myopathy. Last evaluated: 2019-04-17. Review status: criteria provided, single submitter. Criteria: ACGS Best Practice Guidelines for Variant Classification in Rare Disease 2020. Collection method: clinical testing. Allele origin: germline. Affected: yes. Observed: 1 variant allele.

GeneDx
Classification: Likely pathogenic. Last evaluated: 2017-03-10. Review status: criteria provided, single submitter. Criteria: GeneDx Variant Classification (06012015). Collection method: clinical testing. Allele origin: germline. Affected: yes.
Comment: A variant that is likely pathogenic has been identified in the NEB gene. The c.2415+1 G>A variant was previously reported as a homozygous variant in a family with core-rod myopathy, as well as in another individual with nemaline myopathy who harbored an additional NEB variant (Lehtokari et al., 2014). The c.2415+1 G>A variant is not observed in large population cohorts (Lek et al., 2016; 1000 Genomes Consortium et al., 2015; Exome Variant Server). The c.2415+1 G>A splice site variant destroys the canonical splice donor site for intron 25. It is predicted to cause abnormal gene splicing, either leading to an abnormal message that is subject to nonsense-mediated mRNA decay, or to an abnormal protein product if the message is used for protein translation. However, in the absence of RNA/functional studies the actual effect of this sequence change is unknown. Therefore, this variant is likely pathogenic; however, the possibility that it is benign cannot be excluded.

Literature cited by the submitters: PubMed 37460656 (cited by Natera, Inc.); PubMed 28357410 (cited by Natera, Inc.); PubMed 25205138 (cited by 3 submitters); PubMed 28424332 (cited by 3 submitters); PubMed 16199547 (cited by Labcorp Genetics (formerly Invitae), Labcorp).

NM_001164508.2(NEB):c.2415+1G>A

Gene: NEB (nebulin; minus strand). Cytogenetic location: 2q23.3.
Variant type: single nucleotide variant.
Coding change: c.2415+1G>A on transcript NM_001164508.2 (MANE Select); the canonical splice donor site of the intron after coding-DNA position 2415, G replaced by A.
Molecular consequence: splice donor variant.
Genome position (GRCh38, 1-based): chr2:151,688,291, C>T on the plus strand (G>A on the coding strand, the complement: NEB is on the minus strand). VCF-style: chr2-151688291-C-T. GRCh37 (hg19) VCF-style: chr2-152544805-C-T.
Other names: c.2415+1G>A (NM_004543.5, NM_001164507.2, NM_001271208.2).
Identifiers: ClinVar variation 420125 (VCV000420125.14), dbSNP rs1057524581, ClinGen allele CA16617246.